The following is an entry in ClinVar:

ClinVar aggregate classification (germline): Uncertain significance (1 of 4 stars; one submission).

Conditions:
Developmental and epileptic encephalopathy, 24 (DEE24). Also called: Epileptic encephalopathy, early infantile, 24. Identifiers: Orphanet 442835, MedGen C4014531, MONDO:0014377, OMIM 615871.

Allele frequency attached by ClinVar (database versions not stated): gnomAD exomes below 0.00001; ExAC 0.00001.
gnomAD v4.1: 1 of 1,613,994 alleles (0.000062%); highest among the groups gnomAD compares: South Asian, 0.0011%; no homozygotes.

Submission:

Neuberg Centre For Genomic Medicine, NCGM
Classification: Uncertain significance for Developmental and epileptic encephalopathy, 24. Review status: criteria provided, single submitter. Criteria: ACMG Guidelines, 2015. Collection method: clinical testing. Allele origin: germline. Inheritance: Autosomal dominant inheritance. Affected: yes.
Comment: The observed missense variant c.2654G>T(p.Arg885Leu) in HCN1 gene has not been reported previously as a pathogenic variant nor as a benign variant, to our knowledge. The c.2654G>T variant is reported with 0.0004% allele frequency in gnomAD Exomes. The amino acid Arginine at position 885 is changed to a Leucine changing protein sequence and it might alter its composition and physico-chemical properties. The variant is predicted to be damaging by SIFT. The amino acid change p.Arg885Leu in HCN1 is predicted as conserved by GERP++ and PhyloP across 100 vertebrates. For these reasons, this variant has been classified as Uncertain Significance.

NM_021072.4(HCN1):c.2654G>T (p.Arg885Leu)

Gene: HCN1 (hyperpolarization activated cyclic nucleotide gated potassium channel 1; minus strand). Cytogenetic location: 5p12.
Variant type: single nucleotide variant.
Coding change: c.2654G>T on transcript NM_021072.4 (MANE Select); coding-DNA position 2654, G replaced by T.
Protein change: p.Arg885Leu; replaces arginine 885 with leucine.
Molecular consequence: missense variant.
Genome position (GRCh38, 1-based): chr5:45,261,940, C>A on the plus strand (G>T on the coding strand, the complement: HCN1 is on the minus strand). VCF-style: chr5-45261940-C-A. GRCh37 (hg19) VCF-style: chr5-45262042-C-A.
Other names: short protein forms R885L.
Identifiers: ClinVar variation 3242018 (VCV003242018.1), dbSNP rs775806199.